The following is an entry in ClinVar:

ClinVar aggregate classification (germline): Uncertain significance (1 of 4 stars; one submission).

Conditions:
Mitochondrial DNA depletion syndrome 13. Also called: FBXL4-Related Encephalomyopathic Mitochondrial DNA Depletion Syndrome; Mitochondrial DNA depletion syndrome 13 (encephalomyopathic type). Identifiers: Orphanet 369897, MedGen C3809592, MONDO:0014198, OMIM 615471.

Allele frequency attached by ClinVar (database versions not stated): gnomAD exomes below 0.00001; ExAC 0.00001; TOPMed 0.00001.
gnomAD v4.1: 1 of 1,613,182 alleles (0.000062%); highest among the groups gnomAD compares: Non-Finnish European, 0.000085%; no homozygotes.

Submission:

Wong Mito Lab, Molecular and Human Genetics, Baylor College of Medicine
Classification: Uncertain significance for Mitochondrial DNA depletion syndrome 13. Last evaluated: 2017-08-10. Review status: criteria provided, single submitter. Criteria: ACMG Guidelines, 2015. Collection method: reference population. Allele origin: germline.
Comment: The NM_012160.4:c.1779C>T (NP_036292.2:p.Ser593=) [GRCH38: NC_000006.12:g.98874365G>A] variant in FBXL4 gene is interpretated to be a Uncertain Significance - Conflicting Evidence based on ACMG guidelines (PMID: 25741868). This variant meets one or more of the following evidence codes reported in the ACMG-guideline. PM2:This variant is absent in key population databases. BP4:Computational evidence/predictors indicate no impact on the FBXL4 structure, function, or protein-protein interaction. BP7:The variant is silent with non predicted splice impact. Based on this evidence code ClinGen Pathogenicity Calculator (PMID:28081714) suggested that the variant is Uncertain Significance - Conflicting Evidence.

NM_001278716.2(FBXL4):c.1779C>T (p.Ser593=)

Gene: FBXL4 (F-box and leucine rich repeat protein 4; minus strand). Cytogenetic location: 6q16.1.
Variant type: single nucleotide variant.
Coding change: c.1779C>T on transcript NM_001278716.2 (MANE Select); coding-DNA position 1779, C replaced by T.
Protein change: p.Ser593=; no amino-acid change (serine 593 retained).
Molecular consequence: synonymous variant. On other transcripts: non-coding transcript variant (1).
Genome position (GRCh38, 1-based): chr6:98,874,365, G>A on the plus strand (C>T on the coding strand, the complement: FBXL4 is on the minus strand). VCF-style: chr6-98874365-G-A. GRCh37 (hg19) VCF-style: chr6-99322241-G-A.
Other names: c.1779C>T, p.Ser593= (NM_012160.5).
Identifiers: ClinVar variation 437815 (VCV000437815.1), dbSNP rs746650044, ClinGen allele CA3933342.